The following is an entry in ClinVar:

NM_000038.6(APC):c.7812C>G (p.Asn2604Lys)

Gene: APC (APC regulator of Wnt signaling pathway; plus strand). Cytogenetic location: 5q22.2.
Variant type: single nucleotide variant.
Coding change: c.7812C>G on transcript NM_000038.6 (MANE Select); coding-DNA position 7812, C replaced by G.
Protein change: p.Asn2604Lys; replaces asparagine 2604 with lysine.
Molecular consequence: missense variant.
Genome position (GRCh38, 1-based): chr5:112,843,406, C>G. VCF-style: chr5-112843406-C-G. GRCh37 (hg19) VCF-style: chr5-112179103-C-G.
Other names: c.7812C>G, p.Asn2604Lys (NM_001127510.3, NM_001354895.2); c.7758C>G, p.Asn2586Lys (NM_001127511.3); c.7866C>G, p.Asn2622Lys (NM_001354896.2); c.7842C>G, p.Asn2614Lys (NM_001354897.2); c.7737C>G, p.Asn2579Lys (NM_001354898.2); c.7728C>G, p.Asn2576Lys (NM_001354899.2); c.7689C>G, p.Asn2563Lys (NM_001354900.2); c.7635C>G, p.Asn2545Lys (NM_001354901.2); and 5 more; short protein forms N2586K, N2604K, N2478K, N2576K, N2614K, N2622K, N2321K, N2444K.
Identifiers: ClinVar variation 232691 (VCV000232691.17), dbSNP rs876659925, ClinGen allele CA10578451.
Genomic context (GRCh38, chr5:112,843,406, plus strand): 5'-AAAAAGTGAGGATGAAAAACATGTGAACTCTATTTCAGGAACCAAACAAAGTAAAGAAAA[C>G]CAAGTATCCGCAAAAGGAACATGGAGAAAAATAAAAGAAAATGAATTTTCTCCCACAAAT-3'
Protein context (NP_000029.2, residues 2594-2614): SISGTKQSKE[Asn2604Lys]QVSAKGTWRK

ClinVar aggregate classification (germline): Uncertain significance. Review status: criteria provided, multiple submitters, no conflicts (2 of 4 stars). 3 submissions from 3 submitters: Uncertain significance (3). Last evaluated 2023-06-28.

Conditions:
Classic or attenuated familial adenomatous polyposis. Identifiers: MedGen CN372698, MONDO:0021057.
Familial adenomatous polyposis 1 (FAP1). Also called: FAMILIAL ADENOMATOUS POLYPOSIS 1, ATTENUATED; POLYPOSIS, ADENOMATOUS INTESTINAL. Identifiers: MedGen C2713442, MONDO:0021056, OMIM 175100. Disease mechanism: loss of function.
Hereditary cancer-predisposing syndrome. Also called: Neoplastic Syndromes, Hereditary; Tumor predisposition; Hereditary Cancer Syndrome; Hereditary neoplastic syndrome. Identifiers: Orphanet 140162, MedGen C0027672, MeSH D009386, MONDO:0015356.

Submissions (3):

All of Us Research Program, National Institutes of Health
Classification: Uncertain significance for Classic or attenuated familial adenomatous polyposis. Last evaluated: 2023-06-28. Review status: criteria provided, single submitter. Criteria: ACMG Guidelines, 2015. Collection method: clinical testing. Allele origin: germline. Inheritance: Autosomal dominant inheritance. Observed: 1 variant allele, 1 heterozygote.
Comment: This study involves interpretation of variants in research participants for the purpose of population health screening. Participant phenotype was not available at the time of variant classification. Additional details can be found in publication PMID: 35346344, PMCID: PMC8962531

Labcorp Genetics (formerly Invitae), Labcorp
Classification: Uncertain significance for Familial adenomatous polyposis 1. Last evaluated: 2019-07-24. Review status: criteria provided, single submitter. Criteria: Invitae Variant Classification Sherloc (09022015). Collection method: clinical testing. Allele origin: germline.
Comment: Algorithms developed to predict the effect of missense changes on protein structure and function (SIFT, PolyPhen-2, Align-GVGD) all suggest that this variant is likely to be tolerated, but these predictions have not been confirmed by published functional studies and their clinical significance is uncertain. In summary, the available evidence is currently insufficient to determine the role of this variant in disease. Therefore, it has been classified as a Variant of Uncertain Significance. This variant has not been reported in the literature in individuals with APC-related conditions. ClinVar contains an entry for this variant (Variation ID: 232691). This variant is not present in population databases (ExAC no frequency). This sequence change replaces asparagine with lysine at codon 2604 of the APC protein (p.Asn2604Lys). The asparagine residue is moderately conserved and there is a moderate physicochemical difference between asparagine and lysine.

Ambry Genetics
Classification: Uncertain significance for Hereditary cancer-predisposing syndrome. Last evaluated: 2015-06-26. Review status: criteria provided, single submitter. Criteria: Ambry Variant Classification Scheme 2023. Collection method: clinical testing. Allele origin: germline.
Comment: The p.N2604K variant (also known as c.7812C>G), located in coding exon 15 of the APC gene, results from a C to G substitution at nucleotide position 7812. The asparagine at codon 2604 is replaced by lysine, an amino acid with similar properties. This variant was not reported in population based cohorts in the following databases: Database of Single Nucleotide Polymorphisms (dbSNP), NHLBI Exome Sequencing Project (ESP), and 1000 Genomes Project. In the ESP, this variant was not observed in 6501 samples (13002 alleles) with coverage at this position. To date, this alteration has been detected with an allele frequency of approximately 0.003% (greater than 32000 alleles tested) in our clinical cohort. This amino acid position is not well conserved in available vertebrate species. In addition, in silico predictors for this gene do not accurately predict pathogenicity. Since supporting evidence is limited at this time, the clinical significance of p.N2604K remains unclear.